The following is an entry in ClinVar:

NM_005591.4(MRE11):c.1075G>C (p.Glu359Gln)

Gene: MRE11 (MRE11 double strand break repair nuclease; minus strand). Cytogenetic location: 11q21.
Variant type: single nucleotide variant.
Coding change: c.1075G>C on transcript NM_005591.4 (MANE Select); coding-DNA position 1075, G replaced by C.
Protein change: p.Glu359Gln; replaces glutamic acid 359 with glutamine.
Molecular consequence: missense variant.
Genome position (GRCh38, 1-based): chr11:94,467,836, C>G on the plus strand (G>C on the coding strand, the complement: MRE11 is on the minus strand). VCF-style: chr11-94467836-C-G. GRCh37 (hg19) VCF-style: chr11-94201002-C-G.
Other names: c.1075G>C, p.Glu359Gln (NM_001330347.2, NM_005590.4); short protein forms E359Q.
Identifiers: ClinVar variation 3397896 (VCV003397896.1).

ClinVar aggregate classification (germline): Uncertain significance (1 of 4 stars; one submission).

Conditions:
Hereditary cancer-predisposing syndrome. Also called: Hereditary Cancer Syndrome; Tumor predisposition; Hereditary neoplastic syndrome; Neoplastic Syndromes, Hereditary. Identifiers: Orphanet 140162, MedGen C0027672, MeSH D009386, MONDO:0015356.

Submission:

Ambry Genetics
Classification: Uncertain significance for Hereditary cancer-predisposing syndrome. Last evaluated: 2024-12-07. Review status: criteria provided, single submitter. Criteria: Ambry Variant Classification Scheme 2023. Collection method: clinical testing. Allele origin: germline.
Comment: The p.E359Q variant (also known as c.1075G>C), located in coding exon 9 of the MRE11A gene, results from a G to C substitution at nucleotide position 1075. The glutamic acid at codon 359 is replaced by glutamine, an amino acid with highly similar properties. This amino acid position is conserved. In addition, this alteration is predicted to be tolerated by in silico analysis. Based on the available evidence, the clinical significance of this variant remains unclear.